The following is an entry in ClinVar:

NC_000016.10:g.10876852C>T

Genes: CIITA (class II major histocompatibility complex transactivator; plus strand), LOC130058441 (ATAC-STARR-seq lymphoblastoid active region 10392; plus strand). Cytogenetic location: 16p13.13.
Variant type: single nucleotide variant.
Genome position: GRCh38 VCF-style: chr16-10876852-C-T. GRCh37 (hg19) VCF-style: chr16-10970709-C-T.
Identifiers: ClinVar variation 102955 (VCV000102955.2), dbSNP rs199476057, ClinGen allele CA229918.

ClinVar aggregate classification (germline): not provided (0 of 4 stars; one submission).

Allele frequency attached by ClinVar (database versions not stated): 1000 Genomes Project 30x 0.00016; 1000 Genomes Project 0.00020; gnomAD 0.00048 and 0.00049; TOPMed 0.00051.
gnomAD v4.1: 76 of 152,216 alleles (0.05%); highest among the groups gnomAD compares: Non-Finnish European, 0.084%; no homozygotes.

Submission:

Human Evolutionary Genetics, Institut Pasteur
No classification provided. Review status: no classification provided. Collection method: not provided. Allele origin: germline.
ClinVar note: Converted during submission from untested to not provided.